The following is an entry in ClinVar:

ClinVar aggregate classification (germline): Uncertain significance (1 of 4 stars; one submission).

Submission:

Labcorp Genetics (formerly Invitae), Labcorp
Classification: Uncertain significance. Last evaluated: 2022-08-19. Review status: criteria provided, single submitter. Criteria: Invitae Variant Classification Sherloc (09022015). Collection method: clinical testing. Allele origin: germline.
Comment: In summary, the available evidence is currently insufficient to determine the role of this variant in disease. Therefore, it has been classified as a Variant of Uncertain Significance. This variant has not been reported in the literature in individuals affected with NFE2L2-related conditions. A copy number gain of the genomic region encompassing the full coding sequence of the NFE2L2 gene has been identified. The boundaries of this event are unknown as they extend beyond the assayed region for this gene and therefore may encompass additional genes. As the precise location of this event is unknown, it may be in tandem or it may be located elsewhere in the genome.

NC_000002.11:g.(?_178095513)_(179914668_?)dup

Genes: AGPS (alkylglycerone phosphate synthase; plus strand), CCDC141 (coiled-coil domain containing 141; minus strand), FKBP7 (FKBP prolyl isomerase 7; minus strand), IFT70A (intraflagellar transport 70A; minus strand), IFT70B (intraflagellar transport 70B; minus strand) and 8 more. Cytogenetic location: 2q31.2.
Variant type: Duplication.
Identifiers: ClinVar variation 2425519 (VCV002425519.4).